The following is an entry in ClinVar:

NM_000540.3(RYR1):c.13617C>T (p.Gly4539=)

Gene: RYR1 (ryanodine receptor 1; plus strand). Cytogenetic location: 19q13.2.
Variant type: single nucleotide variant.
Coding change: c.13617C>T on transcript NM_000540.3 (MANE Select); coding-DNA position 13617, C replaced by T.
Protein change: p.Gly4539=; no amino-acid change (glycine 4539 retained).
Molecular consequence: synonymous variant.
Genome position (GRCh38, 1-based): chr19:38,567,875, C>T. VCF-style: chr19-38567875-C-T. GRCh37 (hg19) VCF-style: chr19-39058515-C-T.
Other names: c.13602C>T, p.Gly4534= (NM_001042723.2).
Identifiers: ClinVar variation 133052 (VCV000133052.16), dbSNP rs2302296, ClinGen allele CA024061.
Genomic context (GRCh38, chr19:38,567,875, plus strand): 5'-AGAGCCCCCCAAGAAGCAAGCACCTCCCTCACCCCCTCCAAAGAAGGAGGAAGCTGGAGG[C>T]GAATTCTGGGGAGAACTGGAGGTGCAGAGGGTGAAGTTCCTGGTAAGGATCCAGCCAGGT-3'
Protein context (NP_000531.2, residues 4529-4549): SPPPKKEEAG[Gly4539=]EFWGELEVQR

ClinVar aggregate classification (germline): Conflicting classifications of pathogenicity. Review status: criteria provided, conflicting classifications (1 of 4 stars). 6 submissions from 5 submitters: Uncertain significance (2); Likely benign (3). 1 of the submissions does not count toward it. Last evaluated 2026-01-26.

Conditions:
RYR1-related disorder. Also called: RYR1-related disorders; RYR1-related condition. Identifiers: MedGen CN239331.
Congenital multicore myopathy with external ophthalmoplegia (CMYO1B). Also called: MULTICORE MYOPATHY; Minicore myopathy with external ophthalmoplegia; Congenital myopathy 1B, autosomal recessive; Minicore myopathy; MULTIMINICORE DISEASE WITH EXTERNAL OPHTHALMOPLEGIA. Identifiers: Orphanet 598, Orphanet 98905, MedGen C1850674, MONDO:0009712, OMIM 255320, HP:0003789.
Malignant hyperthermia, susceptibility to, 1 (MHS1). Also called: RYR1-Related Malignant Hyperthermia Susceptibility; Malignant hyperthermia suceptibility 1; Anesthesia related hyperthermia; Malignant hyperpyrexia; Fulminating hyperpyrexia; Pharmacogenic myopathy. Identifiers: Orphanet 423, MedGen C2930980, MONDO:0007783, OMIM 145600.

Allele frequency attached by ClinVar (database versions not stated): gnomAD 0.00002 and 0.00012; TOPMed 0.00002; gnomAD exomes 0.00006 and 0.00032; ExAC 0.00010; 1000 Genomes Project 30x 0.00094; 1000 Genomes Project 0.00120.
gnomAD v4.1: 477 of 1,613,920 alleles (0.03%); highest among the groups gnomAD compares: East Asian, 1%; 3 homozygotes.

Submissions (6):

Labcorp Genetics (formerly Invitae), Labcorp
Classification: Likely benign for RYR1-related disorder. Last evaluated: 2026-01-26. Review status: criteria provided, single submitter. Criteria: Invitae Variant Classification Sherloc (09022015). Collection method: clinical testing. Allele origin: germline.

Color Diagnostics, LLC DBA Color Health
Classification: Likely benign for Malignant hyperthermia, susceptibility to, 1. Last evaluated: 2023-01-12. Review status: criteria provided, single submitter. Criteria: ACMG Guidelines, 2015. Collection method: clinical testing. Allele origin: germline.

GeneDx
Classification: Likely benign. Last evaluated: 2019-03-13. Review status: criteria provided, single submitter. Criteria: GeneDx Variant Classification Process June 2021. Collection method: clinical testing. Allele origin: germline. Affected: yes.
Comment: This variant is associated with the following publications: (PMID: 16917943)

Illumina Laboratory Services, Illumina
Classification: Uncertain significance for Congenital multicore myopathy with external ophthalmoplegia. Last evaluated: 2018-01-13. Review status: criteria provided, single submitter. Criteria: ICSL Variant Classification Criteria 13 December 2019. Collection method: clinical testing. Allele origin: germline.

Illumina Laboratory Services, Illumina
Classification: Uncertain significance for Malignant hyperthermia, susceptibility to, 1. Last evaluated: 2018-01-13. Review status: criteria provided, single submitter. Criteria: ICSL Variant Classification Criteria 13 December 2019. Collection method: clinical testing. Allele origin: germline.

RYR1 database
No classification provided. Review status: no classification provided. Collection method: not provided. Allele origin: unknown. Not counted in ClinVar's aggregate classification.